The following is an entry in ClinVar:

ClinVar aggregate classification (germline): Uncertain significance (1 of 4 stars; one submission).

Conditions:
Aortic aneurysm, familial thoracic 6 (AAT6). Also called: FAMILIAL THORACIC AORTIC ANEURYSM WITH LIVEDO RETICULARIS AND IRIS FLOCCULI. Identifiers: MedGen C2673186, MONDO:0012730, OMIM 611788.

Allele frequency attached by ClinVar (database versions not stated): gnomAD exomes below 0.00001; TOPMed below 0.00001; gnomAD 0.00001.
gnomAD v4.1: 2 of 1,613,964 alleles (0.00012%); highest among the groups gnomAD compares: Non-Finnish European, 0.00017%; no homozygotes.

Submission:

Labcorp Genetics (formerly Invitae), Labcorp
Classification: Uncertain significance for Aortic aneurysm, familial thoracic 6. Last evaluated: 2024-07-25. Review status: criteria provided, single submitter. Criteria: Invitae Variant Classification Sherloc (09022015). Collection method: clinical testing. Allele origin: germline.
Comment: This sequence change replaces glutamic acid, which is acidic and polar, with lysine, which is basic and polar, at codon 243 of the ACTA2 protein (p.Glu243Lys). This variant is not present in population databases (gnomAD no frequency). This missense change has been observed in individual(s) with clinical features of ACTA2-related conditions (PMID: 21212136). ClinVar contains an entry for this variant (Variation ID: 1444968). Advanced modeling of protein sequence and biophysical properties (such as structural, functional, and spatial information, amino acid conservation, physicochemical variation, residue mobility, and thermodynamic stability) performed at Invitae indicates that this missense variant is not expected to disrupt ACTA2 protein function with a negative predictive value of 80%. In summary, the available evidence is currently insufficient to determine the role of this variant in disease. Therefore, it has been classified as a Variant of Uncertain Significance.

Literature cited by the submitters: PubMed 21212136.

NM_001613.4(ACTA2):c.727G>A (p.Glu243Lys)

Genes: ACTA2 (actin alpha 2, smooth muscle; minus strand), ACTA2-AS1 (ACTA2 antisense RNA 1; plus strand). Cytogenetic location: 10q23.31.
Variant type: single nucleotide variant.
Coding change: c.727G>A on transcript NM_001613.4 (MANE Select); coding-DNA position 727, G replaced by A.
Protein change: p.Glu243Lys; replaces glutamic acid 243 with lysine.
Molecular consequence: missense variant. On other transcripts: non-coding transcript variant (1).
Genome position (GRCh38, 1-based): chr10:88,939,588, C>T on the plus strand (G>A on the coding strand, the complement: ACTA2 is on the minus strand). VCF-style: chr10-88939588-C-T. GRCh37 (hg19) VCF-style: chr10-90699345-C-T.
Other names: c.727G>A, p.Glu243Lys (NM_001141945.3, NM_001320855.2, NM_001406462.1 and 2 more transcripts); c.616G>A, p.Glu206Lys (NM_001406466.1); c.598G>A, p.Glu200Lys (NM_001406467.1, NM_001406468.1, NM_001406469.1); short protein forms E243K, E206K, E200K.
Identifiers: ClinVar variation 1444968 (VCV001444968.9), dbSNP rs1223323843, ClinGen allele CA377511310.
Genomic context (GRCh38, chr10:88,939,588, plus strand): 5'-GGGTCTCTGGGCAGCGGAAACGTTCATTTCCGATGGTGATCACTTGCCCATCAGGCAACT[C>T]GTAACTCTTCTCAAGGGAGGATGAGGATGCGGCAGTGGCCATCTCATTTTCAAAGTCCAG-3'
Protein context (NP_001604.1, residues 233-253): ASSSSLEKSY[Glu243Lys]LPDGQVITIG